The following is an entry in ClinVar:

NM_000059.4(BRCA2):c.9094_9097del (p.Lys3032fs)

Gene: BRCA2 (BRCA2 DNA repair associated; plus strand). Cytogenetic location: 13q13.1.
Variant type: Deletion.
Coding change: c.9094_9097del on transcript NM_000059.4 (MANE Select); coding-DNA positions 9094 to 9097, 4 bases deleted (AAAA; older notation c.9094_9097delAAAA).
Protein change: p.Lys3032fs; shifts the reading frame from lysine 3032.
Molecular consequence: frameshift variant.
Genome position (GRCh38, 1-based): chr13:32,379,890-32,379,893, AAAA deleted; deleting any 4 consecutive bases within chr13:32,379,886-32,379,893 gives the same sequence; the c. name uses the placement nearest the transcript's 3' end. VCF-style (leftmost placement, unchanged base first): chr13-32379885-CAAAA-C. GRCh37 (hg19) VCF-style: chr13-32954022-CAAAA-C.
Other names: c.9094_9097delAAAA (NM_000059.3); short protein forms K3032fs.
Identifiers: ClinVar variation 52745 (VCV000052745.5), dbSNP rs397507419, ClinGen allele CA025969.

ClinVar aggregate classification (germline): Pathogenic. Review status: reviewed by expert panel (3 of 4 stars). 3 submissions from 3 submitters: Pathogenic (1). 2 of the submissions do not count toward it. Last evaluated 2017-12-15.

Conditions:
Hereditary breast ovarian cancer syndrome. Also called: Hereditary breast and ovarian cancer syndrome; Hereditary breast and ovarian cancer; Hereditary breast and ovarian cancer syndrome (HBOC); Breast and ovarian cancer; Hereditary breast and/or ovarian cancer syndrome; BRCA1- and BRCA2-Associated Hereditary Breast and Ovarian Cancer. Identifiers: Orphanet 145, MedGen C0677776, MeSH D061325, MONDO:0003582. Disease mechanism: loss of function.
Breast-ovarian cancer, familial, susceptibility to, 2 (BROVCA2). Also called: BRCA2 Hereditary Breast and Ovarian Cancer. Identifiers: Orphanet 145, MedGen C2675520, MONDO:0012933, OMIM 612555. Disease mechanism: loss of function.
Familial cancer of breast. Also called: BREAST CANCER, FAMILIAL; Hereditary breast cancer; hereditary breast carcinoma. Identifiers: Orphanet 227535, MedGen C0346153, MONDO:0016419, OMIM 114480. Disease mechanism: loss of function.

Submissions (3):

Evidence-based Network for the Interpretation of Germline Mutant Alleles (ENIGMA)
Classification: Pathogenic for Breast-ovarian cancer, familial, susceptibility to, 2. Last evaluated: 2017-12-15. Review status: reviewed by expert panel. Criteria: ENIGMA BRCA1/2 Classification Criteria (2017-06-29). Collection method: curation. Allele origin: germline. Study: ENIGMA.
Comment: Variant allele predicted to encode a truncated non-functional protein.

Labcorp Genetics (formerly Invitae), Labcorp
Classification: Pathogenic for Hereditary breast ovarian cancer syndrome. Last evaluated: 2024-10-11. Review status: criteria provided, single submitter. Criteria: Invitae Variant Classification Sherloc (09022015). Collection method: clinical testing. Allele origin: germline. Not counted in ClinVar's aggregate classification.
Comment: This sequence change creates a premature translational stop signal (p.Lys3032Leufs*29) in the BRCA2 gene. It is expected to result in an absent or disrupted protein product. Loss-of-function variants in BRCA2 are known to be pathogenic (PMID: 20104584). This variant is not present in population databases (gnomAD no frequency). This premature translational stop signal has been observed in individual(s) with breast cancer (PMID: 11793480). ClinVar contains an entry for this variant (Variation ID: 52745). For these reasons, this variant has been classified as Pathogenic.

ClinVar Staff, National Center for Biotechnology Information (NCBI)
No classification provided. Condition: Familial cancer of breast. Review status: no classification provided. Collection method: literature only. Allele origin: germline. Affected: yes. Not counted in ClinVar's aggregate classification.

Literature cited by the submitters: PubMed 20104584 (cited by Labcorp Genetics (formerly Invitae), Labcorp); PubMed 11793480 (cited by Labcorp Genetics (formerly Invitae), Labcorp and ClinVar Staff, National Center for Biotechnology Information (NCBI)).